The following is an entry in ClinVar:

NM_005245.4(FAT1):c.8087C>T (p.Pro2696Leu)

Gene: FAT1 (FAT atypical cadherin 1; minus strand). Cytogenetic location: 4q35.2.
Variant type: single nucleotide variant.
Coding change: c.8087C>T on transcript NM_005245.4 (MANE Select); coding-DNA position 8087, C replaced by T.
Protein change: p.Pro2696Leu; replaces proline 2696 with leucine.
Molecular consequence: missense variant.
Genome position (GRCh38, 1-based): chr4:186,618,499, G>A on the plus strand (C>T on the coding strand, the complement: FAT1 is on the minus strand). VCF-style: chr4-186618499-G-A. GRCh37 (hg19) VCF-style: chr4-187539653-G-A.
Other names: short protein forms P2696L.
Identifiers: ClinVar variation 1693415 (VCV001693415.2), dbSNP rs201751862, ClinGen allele CA3165937.

ClinVar aggregate classification (germline): Uncertain significance (1 of 4 stars; one submission).

Allele frequency attached by ClinVar (database versions not stated): gnomAD 0.00003 and 0.00004; TOPMed 0.00004; gnomAD exomes 0.00006 and 0.00009; ESP Exome Variant Server 0.00008; ExAC 0.00010; 1000 Genomes Project 30x 0.00016; 1000 Genomes Project 0.00020.
gnomAD v4.1: 93 of 1,614,010 alleles (0.0058%); highest among the groups gnomAD compares: Admixed American, 0.017%; no homozygotes.

Submission:

GeneDx
Classification: Uncertain significance. Last evaluated: 2022-01-03. Review status: criteria provided, single submitter. Criteria: GeneDx Variant Classification Process June 2021. Collection method: clinical testing. Allele origin: germline. Affected: yes.
Comment: In silico analysis supports that this missense variant has a deleterious effect on protein structure/function; Has not been previously published as pathogenic or benign to our knowledge